The following is an entry in ClinVar:

ClinVar aggregate classification (germline): Uncertain significance (1 of 4 stars; one submission).

Conditions:
Spermatogenic failure 18. Identifiers: MedGen C4539783, MONDO:0054615, OMIM 617576.
Ciliary dyskinesia, primary, 37 (CILD37). Also called: CILIARY DYSKINESIA, PRIMARY, 37, WITH OR WITHOUT SITUS INVERSUS. Identifiers: MedGen C4539798, MONDO:0033204, OMIM 617577.

Submission:

Labcorp Genetics (formerly Invitae), Labcorp
Classification: Uncertain significance for Ciliary dyskinesia, primary, 37; Spermatogenic failure 18. Last evaluated: 2022-04-09. Review status: criteria provided, single submitter. Criteria: Invitae Variant Classification Sherloc (09022015). Collection method: clinical testing. Allele origin: germline.
Comment: In summary, the available evidence is currently insufficient to determine the role of this variant in disease. Therefore, it has been classified as a Variant of Uncertain Significance. Algorithms developed to predict the effect of missense changes on protein structure and function are either unavailable or do not agree on the potential impact of this missense change (SIFT: "Deleterious"; PolyPhen-2: "Probably Damaging"; Align-GVGD: "Class C0"). This variant has not been reported in the literature in individuals affected with DNAH1-related conditions. This variant is not present in population databases (gnomAD no frequency). This sequence change replaces phenylalanine, which is neutral and non-polar, with tyrosine, which is neutral and polar, at codon 363 of the DNAH1 protein (p.Phe363Tyr).

NM_015512.5(DNAH1):c.1088T>A (p.Phe363Tyr)

Gene: DNAH1 (dynein axonemal heavy chain 1; plus strand). Cytogenetic location: 3p21.1.
Variant type: single nucleotide variant.
Coding change: c.1088T>A on transcript NM_015512.5 (MANE Select); coding-DNA position 1088, T replaced by A.
Protein change: p.Phe363Tyr; replaces phenylalanine 363 with tyrosine.
Molecular consequence: missense variant.
Genome position (GRCh38, 1-based): chr3:52,332,196, T>A. VCF-style: chr3-52332196-T-A. GRCh37 (hg19) VCF-style: chr3-52366212-T-A.
Other names: short protein forms F363Y.
Identifiers: ClinVar variation 2122627 (VCV002122627.4), dbSNP rs2471143265, ClinGen allele CA353080421.
Genomic context (GRCh38, chr3:52,332,196, plus strand): 5'-CCCCAGGAAGGCCACCCCTTCAGGTCTGTCAGTACTGGGTGCCACGGATCCAGCTTCTCT[T>A]CTGCGCTGAGGACCCTTGCATGTTCGCACAACGTGTGGTCCAGGCCAACGCCCTGCGCAA-3'
Protein context (NP_056327.4, residues 353-373): QYWVPRIQLL[Phe363Tyr]CAEDPCMFAQ